The following is an entry in ClinVar:

NM_001953.5(TYMP):c.274del (p.Thr92fs)

Genes: TYMP (thymidine phosphorylase; minus strand), LOC130067864 (ATAC-STARR-seq lymphoblastoid active region 19325; plus strand). Cytogenetic location: 22q13.33.
Variant type: Deletion.
Coding change: c.274del on transcript NM_001953.5 (MANE Select); coding-DNA position 274, one base deleted (A; older notation c.274delA).
Protein change: p.Thr92fs; shifts the reading frame from threonine 92.
Molecular consequence: frameshift variant.
Genome position (GRCh38, 1-based): chr22:50,529,279, T deleted on the plus strand (A on the coding strand, the reverse complement: TYMP is on the minus strand). VCF-style (leftmost placement, unchanged base first): chr22-50529278-GT-G. GRCh37 (hg19) VCF-style: chr22-50967707-GT-G.
Other names: c.274del, p.Thr92fs (NM_001113755.3, NM_001113756.3, NM_001257988.1 and 1 more transcripts); short protein forms T92fs.
Identifiers: ClinVar variation 870755 (VCV000870755.47), dbSNP rs2069502314, ClinGen allele CA1139667177.
Genomic context (GRCh38, chr22:50,529,278, plus strand): 5'-AGCTGCTGGCGCCAGGCCTCTGGCCACTCCAGCTGCTGTCCCGACTGAGCCAGGGCCTGG[GT>G]CAGCACCGAGGTCTCCTCCAGATCCATGCCCCGAAGTCGGATGGCCATCAGCATGGCCCC-3'

ClinVar aggregate classification (germline): Pathogenic. Review status: criteria provided, multiple submitters, no conflicts (2 of 4 stars). 2 submissions from 2 submitters: Pathogenic (2). Last evaluated 2025-02-01.

Submissions (2):

CeGaT Center for Human Genetics Tuebingen
Classification: Pathogenic. Last evaluated: 2025-02-01. Review status: criteria provided, single submitter. Criteria: CeGaT Center For Human Genetics Tuebingen Variant Classification Criteria Version 2. Collection method: clinical testing. Allele origin: germline. Affected: yes. Observed: 1 variant allele.
Comment: TYMP: PVS1, PM2

Labcorp Genetics (formerly Invitae), Labcorp
Classification: Pathogenic. Last evaluated: 2019-05-14. Review status: criteria provided, single submitter. Criteria: Invitae Variant Classification Sherloc (09022015). Collection method: clinical testing. Allele origin: germline.
Comment: For these reasons, this variant has been classified as Pathogenic. This sequence change creates a premature translational stop signal (p.Thr92Profs*51) in the TYMP gene. It is expected to result in an absent or disrupted protein product. This variant is not present in population databases (ExAC no frequency). This variant has not been reported in the literature in individuals with TYMP-related conditions. Loss-of-function variants in TYMP are known to be pathogenic (PMID: 9924029, 15781193).

Literature cited by the submitters: PubMed 9924029 (cited by Labcorp Genetics (formerly Invitae), Labcorp); PubMed 15781193 (cited by Labcorp Genetics (formerly Invitae), Labcorp).